The following is an entry in ClinVar:

NM_000059.4(BRCA2):c.7109_7110del (p.Lys2370fs)

Gene: BRCA2 (BRCA2 DNA repair associated; plus strand). Cytogenetic location: 13q13.1.
Variant type: Deletion.
Coding change: c.7109_7110del on transcript NM_000059.4 (MANE Select); coding-DNA positions 7109 to 7110, 2 bases deleted (AA; older notation c.7109_7110delAA).
Protein change: p.Lys2370fs; shifts the reading frame from lysine 2370.
Molecular consequence: frameshift variant.
Genome position (GRCh38, 1-based): chr13:32,354,962-32,354,963, AA deleted; deleting any 2 consecutive bases within chr13:32,354,959-32,354,963 gives the same sequence; the c. name uses the placement nearest the transcript's 3' end. VCF-style (leftmost placement, unchanged base first): chr13-32354958-GAA-G. GRCh37 (hg19) VCF-style: chr13-32929095-GAA-G.
Other names: 7336delAA; c.7109_7110delAA (NM_000059.3).
Identifiers: ClinVar variation 254597 (VCV000254597.5), dbSNP rs80359638, ClinGen allele CA024875.

ClinVar aggregate classification (germline): Pathogenic. Review status: reviewed by expert panel (3 of 4 stars). 3 submissions from 3 submitters: Pathogenic (1). 2 of the submissions do not count toward it. Last evaluated 2016-09-08.

Conditions:
Breast-ovarian cancer, familial, susceptibility to, 2 (BROVCA2). Also called: BRCA2 Hereditary Breast and Ovarian Cancer. Identifiers: Orphanet 145, MedGen C2675520, MONDO:0012933, OMIM 612555. Disease mechanism: loss of function.

Submissions (3):

Evidence-based Network for the Interpretation of Germline Mutant Alleles (ENIGMA)
Classification: Pathogenic for Breast-ovarian cancer, familial, susceptibility to, 2. Last evaluated: 2016-09-08. Review status: reviewed by expert panel. Criteria: ENIGMA BRCA1/2 Classification Criteria (2015). Collection method: curation. Allele origin: germline.
Comment: Variant allele predicted to encode a truncated non-functional protein.

Consortium of Investigators of Modifiers of BRCA1/2 (CIMBA), c/o University of Cambridge
Classification: Pathogenic for Breast-ovarian cancer, familial, susceptibility to, 2. Last evaluated: 2015-10-02. Review status: criteria provided, single submitter. Criteria: CIMBA Mutation Classification guidelines May 2016. Collection method: clinical testing. Allele origin: germline. Not counted in ClinVar's aggregate classification.

Breast Cancer Information Core (BIC) (BRCA2)
Classification: Pathogenic for Breast-ovarian cancer, familial 2. Review status: no assertion criteria provided. Collection method: clinical testing. Allele origin: germline. Affected: yes. Observed: 1 variant allele. Not counted in ClinVar's aggregate classification.